The following is an entry in ClinVar:

ClinVar aggregate classification (germline): Uncertain significance. Review status: criteria provided, multiple submitters, no conflicts (2 of 4 stars). 3 submissions from 3 submitters: Uncertain significance (3). Last evaluated 2025-05-21.

Conditions:
Charcot-Marie-Tooth disease axonal type 2C (HMSN2C). Also called: CHARCOT-MARIE-TOOTH DISEASE, AXONAL, AUTOSOMAL DOMINANT, TYPE 2C; Charcot-Marie-Tooth Neuropathy Type 2C; Charcot-Marie-Tooth Disease Type 2, TRPV4-Related (CMT2C). Identifiers: Orphanet 99937, MedGen C1853710, MONDO:0011633, OMIM 606071.

Allele frequency attached by ClinVar (database versions not stated): gnomAD exomes below 0.00001.
gnomAD v4.1: 1 of 1,614,078 alleles (0.000062%); highest among the groups gnomAD compares: African/African-American, 0.0013%; no homozygotes.

Submissions (3):

Labcorp Genetics (formerly Invitae), Labcorp
Classification: Uncertain significance for Charcot-Marie-Tooth disease axonal type 2C. Last evaluated: 2025-05-21. Review status: criteria provided, single submitter. Criteria: Invitae Variant Classification Sherloc (09022015). Collection method: clinical testing. Allele origin: germline.
Comment: This sequence change replaces lysine, which is basic and polar, with glutamic acid, which is acidic and polar, at codon 125 of the TRPV4 protein (p.Lys125Glu). This variant is present in population databases (no rsID available, gnomAD 0.007%). This variant has not been reported in the literature in individuals affected with TRPV4-related conditions. ClinVar contains an entry for this variant (Variation ID: 1371092). Invitae Evidence Modeling of protein sequence and biophysical properties (such as structural, functional, and spatial information, amino acid conservation, physicochemical variation, residue mobility, and thermodynamic stability) indicates that this missense variant is not expected to disrupt TRPV4 protein function with a negative predictive value of 95%. In summary, the available evidence is currently insufficient to determine the role of this variant in disease. Therefore, it has been classified as a Variant of Uncertain Significance.

ARUP Laboratories, Molecular Genetics and Genomics, ARUP Laboratories
Classification: Uncertain significance. Last evaluated: 2025-04-10. Review status: criteria provided, single submitter. Criteria: ARUP Molecular Germline Variant Investigation Process 2024. Collection method: clinical testing. Allele origin: germline.
Comment: The TRPV4 c.373A>G; p.Lys125Glu variant (rs1421114267), to our knowledge, is not reported in the medical literature but is reported in ClinVar (Variation ID: 1371092). This variant is only observed on one allele in the Genome Aggregation Database (v2.1.1), indicating it is not a common polymorphism. Computational analyses are uncertain whether this variant is neutral or deleterious (REVEL: 0.245). Due to limited information, the clinical significance of this variant is uncertain at this time.

GeneDx
Classification: Uncertain significance. Last evaluated: 2024-03-05. Review status: criteria provided, single submitter. Criteria: GeneDx Variant Classification Process June 2021. Collection method: clinical testing. Allele origin: germline. Affected: yes.
Comment: Not observed at significant frequency in large population cohorts (gnomAD); In silico analysis supports that this missense variant does not alter protein structure/function; Has not been previously published as pathogenic or benign to our knowledge

NM_021625.5(TRPV4):c.373A>G (p.Lys125Glu)

Gene: TRPV4 (transient receptor potential cation channel subfamily V member 4; minus strand). Cytogenetic location: 12q24.11.
Variant type: single nucleotide variant.
Coding change: c.373A>G on transcript NM_021625.5 (MANE Select); coding-DNA position 373, A replaced by G.
Protein change: p.Lys125Glu; replaces lysine 125 with glutamic acid.
Molecular consequence: missense variant.
Genome position (GRCh38, 1-based): chr12:109,814,424, T>C on the plus strand (A>G on the coding strand, the complement: TRPV4 is on the minus strand). VCF-style: chr12-109814424-T-C. GRCh37 (hg19) VCF-style: chr12-110252229-T-C.
Other names: c.373A>G, p.Lys125Glu (NM_001177428.2, NM_001177433.2, NM_147204.3); c.271A>G, p.Lys91Glu (NM_001177431.2); short protein forms K125E, K91E.
Identifiers: ClinVar variation 1371092 (VCV001371092.7), dbSNP rs1421114267, ClinGen allele CA386659547.